The following is an entry in ClinVar:

NM_021096.4(CACNA1I):c.6251A>T (p.Gln2084Leu)

Gene: CACNA1I (calcium voltage-gated channel subunit alpha1 I; plus strand). Cytogenetic location: 22q13.1.
Variant type: single nucleotide variant.
Coding change: c.6251A>T on transcript NM_021096.4 (MANE Select); coding-DNA position 6251, A replaced by T.
Protein change: p.Gln2084Leu; replaces glutamine 2084 with leucine.
Molecular consequence: missense variant.
Genome position (GRCh38, 1-based): chr22:39,685,984, A>T. VCF-style: chr22-39685984-A-T. GRCh37 (hg19) VCF-style: chr22-40081989-A-T.
Other names: c.6146A>T, p.Gln2049Leu (NM_001003406.2); short protein forms Q2049L, Q2084L.
Identifiers: ClinVar variation 3898692 (VCV003898692.7).

ClinVar aggregate classification (germline): Uncertain significance (1 of 4 stars; one submission).

Submission:

CeGaT Center for Human Genetics Tuebingen
Classification: Uncertain significance. Last evaluated: 2025-04-01. Review status: criteria provided, single submitter. Criteria: CeGaT Center For Human Genetics Tuebingen Variant Classification Criteria Version 2. Collection method: clinical testing. Allele origin: germline. Affected: yes. Observed: 1 variant allele.
Comment: CACNA1I: PM2, PP3